The following is an entry in ClinVar:

ClinVar aggregate classification (germline): Likely pathogenic (1 of 4 stars; one submission).

Conditions:
Angelman syndrome (AS). Also called: HAPPY PUPPET SYNDROME. Identifiers: Orphanet 72, MedGen C0162635, MONDO:0007113, OMIM 105830. Disease mechanism: loss of function. Inheritance: AS is caused by disruption of maternally imprinted UBE3A located within the 15q11.2-q13 Angelman syndrome/Prader-Willi syndrome (AS/PWS) region., imprinting disorder.

Submission:

Women's Health and Genetics/Laboratory Corporation of America, LabCorp
Classification: Likely pathogenic for Angelman syndrome. Last evaluated: 2024-05-23. Review status: criteria provided, single submitter. Criteria: LabCorp Variant Classification Summary - May 2015. Collection method: clinical testing. Allele origin: germline.
Comment: Variant summary: UBE3A c.1899+1G>A is located in a canonical splice-site and is predicted to affect mRNA splicing resulting in a significantly altered protein due to either exon skipping, shortening, or inclusion of intronic material. Several computational tools predict a significant impact on normal splicing: Three predict the variant abolishes a 5' splicing donor site. However, these predictions have yet to be confirmed by functional studies. The variant was absent in 251322 control chromosomes (gnomAD). To our knowledge, no occurrence of c.1899+1G>A in individuals affected with Angelman Syndrome and no experimental evidence demonstrating its impact on protein function have been reported. No submitters have cited clinical-significance assessments for this variant to ClinVar. Based on the evidence outlined above, the variant was classified as likely pathogenic.

NM_130839.5(UBE3A):c.1959+1G>A

Genes: SNHG14 (small nucleolar RNA host gene 14; plus strand), UBE3A (ubiquitin protein ligase E3A; minus strand). Cytogenetic location: 15q11.2.
Variant type: single nucleotide variant.
Coding change: c.1959+1G>A on transcript NM_130839.5 (MANE Select); the canonical splice donor site of the intron after coding-DNA position 1959, G replaced by A.
Molecular consequence: splice donor variant.
Genome position (GRCh38, 1-based): chr15:25,356,690, C>T on the plus strand (G>A on the coding strand, the complement: UBE3A is on the minus strand). VCF-style: chr15-25356690-C-T. GRCh37 (hg19) VCF-style: chr15-25601837-C-T.
Other names: c.1782+1G>A (NM_001354546.2); c.648+1G>A (NM_001354551.2); c.1899+1G>A (NM_001354549.2, NM_001354548.2, NM_130838.4 and 17 more transcripts); c.708+1G>A (NM_001354550.2); c.1959+1G>A (NM_001354545.2, NM_001354538.2, NM_001354505.1); c.1968+1G>A (NM_000462.5).
Identifiers: ClinVar variation 3336419 (VCV003336419.1).
Genomic context (GRCh38, chr15:25,356,690, plus strand): 5'-TAAATTTTTGCATTTAAATAAAATCTAAGAGACTGAATTAAAAAAATGACAAAGAACTTA[C>T]TGGGTGAGAGTCTCCCAAGTCACGAAAAGTTCCTTTTTTCCCCATTAGCTTCCTGTAGAC-3'